The following is an entry in ClinVar:

ClinVar aggregate classification (germline): Pathogenic/Likely pathogenic. Review status: criteria provided, multiple submitters, no conflicts (2 of 4 stars). 4 submissions from 4 submitters: Pathogenic (1); Likely pathogenic (1). 2 of the submissions do not count toward it. Last evaluated 2024-12-02.

Conditions:
Phenylketonuria (PKU). Also called: Phenylketonuria (PKU); FOLLING DISEASE; OLIGOPHRENIA PHENYLPYRUVICA; Phenylketonurias. Identifiers: Orphanet 716, MedGen C0031485, MONDO:0009861, OMIM 261600. Disease mechanism: loss of function.

Allele frequency attached by ClinVar (database versions not stated): gnomAD 0.00001; TOPMed below 0.00001; gnomAD exomes 0.00001.
gnomAD v4.1: 4 of 1,613,972 alleles (0.00025%); highest among the groups gnomAD compares: Non-Finnish European, 0.00034%; no homozygotes.

Submissions (4):

Natera, Inc.
Classification: Likely pathogenic for Phenylketonuria. Last evaluated: 2024-12-02. Review status: criteria provided, single submitter. Criteria: Natera Variant Classification Schema (03/2026). Collection method: clinical testing. Allele origin: germline.
Comment: The c.281T>G variant in PAH is a missense variant predicted to cause substitution of isoleucine to serine at amino acid 94. This variant is rare in the general population with a frequency below the threshold expected for the associated phenotype(s). This variant has been observed in one or more individuals affected with the associated recessive disease, as either homozygous or compound heterozygous with a second variant (PMID: 34836270, 19292873, 16198137). This variant has been identified in one or more affected individual with a phenotype highly consistent with the associated gene (PMID: 34836270, 19292873, 16198137). Computational prediction algorithms indicate this variant is likely to affect gene or protein function. Given the available evidence, this variant is classified as Likely Pathogenic.

Labcorp Genetics (formerly Invitae), Labcorp
Classification: Pathogenic for Phenylketonuria. Last evaluated: 2024-03-08. Review status: criteria provided, single submitter. Criteria: Invitae Variant Classification Sherloc (09022015). Collection method: clinical testing. Allele origin: germline.
Comment: This sequence change replaces isoleucine, which is neutral and non-polar, with serine, which is neutral and polar, at codon 94 of the PAH protein (p.Ile94Ser). This variant is not present in population databases (gnomAD no frequency). This missense change has been observed in individual(s) with hyperphenylalaninemia (PKU) (PMID: 16198137, 32668217; BIOPKU). ClinVar contains an entry for this variant (Variation ID: 102644). Advanced modeling of protein sequence and biophysical properties (such as structural, functional, and spatial information, amino acid conservation, physicochemical variation, residue mobility, and thermodynamic stability) performed at Invitae indicates that this missense variant is not expected to disrupt PAH protein function with a negative predictive value of 80%. This variant disrupts the p.Ile94 amino acid residue in PAH. Other variant(s) that disrupt this residue have been observed in individuals with PAH-related conditions (PMID: 32668217; BIOPKU), which suggests that this may be a clinically significant amino acid residue. For these reasons, this variant has been classified as Pathogenic.

Counsyl
Classification: Uncertain significance for Phenylketonuria. Last evaluated: 2018-03-23. Review status: no assertion criteria provided. Collection method: clinical testing. Allele origin: unknown. Not counted in ClinVar's aggregate classification.

DeBelle Laboratory for Biochemical Genetics, MUHC/MCH RESEARCH INSTITUTE
No classification provided. Review status: no classification provided. Collection method: not provided. Allele origin: not provided. Not counted in ClinVar's aggregate classification.

Literature cited by the submitters: PubMed 34836270 (cited by Natera, Inc.); PubMed 19292873 (cited by Natera, Inc. and Counsyl); PubMed 16198137 (cited by 3 submitters); PubMed 32668217 (cited by Labcorp Genetics (formerly Invitae), Labcorp); PubMed 24939588 (cited by Counsyl); PubMed 10679941 (cited by Counsyl); PubMed 10980574 (cited by Counsyl); PubMed 9634518 (cited by Counsyl); PubMed 17924342 (cited by Counsyl); PubMed 10394930 (cited by Counsyl).

NM_000277.3(PAH):c.281T>G (p.Ile94Ser)

Gene: PAH (phenylalanine hydroxylase; minus strand). Cytogenetic location: 12q23.2.
Variant type: single nucleotide variant.
Coding change: c.281T>G on transcript NM_000277.3 (MANE Select); coding-DNA position 281, T replaced by G.
Protein change: p.Ile94Ser; replaces isoleucine 94 with serine.
Molecular consequence: missense variant.
Genome position (GRCh38, 1-based): chr12:102,894,806, A>C on the plus strand (T>G on the coding strand, the complement: PAH is on the minus strand). VCF-style: chr12-102894806-A-C. GRCh37 (hg19) VCF-style: chr12-103288584-A-C.
Other names: c.281T>G, p.Ile94Ser (NM_001354304.2); c.281T>G (NM_000277.2); short protein forms I94S.
Identifiers: ClinVar variation 102644 (VCV000102644.6), dbSNP rs62508677, ClinGen allele CA229505.